The following is an entry in ClinVar:

ClinVar aggregate classification (germline): Benign (1 of 4 stars; one submission).

Allele frequency attached by ClinVar (database versions not stated): gnomAD exomes 0.04772 and 0.04854; ExAC 0.05689; 1000 Genomes Project 0.10244; gnomAD 0.10828 and 0.11537; 1000 Genomes Project 30x 0.11243; TOPMed 0.11604; ESP Exome Variant Server 0.12133.
gnomAD v4.1: 86,794 of 1,605,700 alleles (5.4%); highest among the groups gnomAD compares: African/African-American, 29%; 4,954 homozygotes.

Submissions (11):

GeneDx
Classification: Benign. Last evaluated: 2018-06-19. Review status: criteria provided, single submitter. Criteria: GeneDx Variant Classification (06012015). Collection method: clinical testing. Allele origin: germline. Affected: yes.
Comment: This variant is considered likely benign or benign based on one or more of the following criteria: it is a conservative change, it occurs at a poorly conserved position in the protein, it is predicted to be benign by multiple in silico algorithms, and/or has population frequency not consistent with disease.

Dr. Peter K. Rogan Lab, Western University
No classification provided (evidence only). Condition: Acute myeloid leukemia. Review status: no classification provided. Collection method: in vitro. Allele origin: not applicable. Functional consequence: retained intron. Not counted in ClinVar's aggregate classification.

Dr. Peter K. Rogan Lab, Western University
No classification provided (evidence only). Condition: Acute myeloid leukemia. Review status: no classification provided. Collection method: in vitro. Allele origin: not applicable. Functional consequence: retained intron. Not counted in ClinVar's aggregate classification.

Dr. Peter K. Rogan Lab, Western University
No classification provided (evidence only). Condition: Acute myeloid leukemia. Review status: no classification provided. Collection method: in vitro. Allele origin: not applicable. Functional consequence: retained intron. Not counted in ClinVar's aggregate classification.

Dr. Peter K. Rogan Lab, Western University
No classification provided (evidence only). Condition: Sarcoma. Review status: no classification provided. Collection method: in vitro. Allele origin: not applicable. Functional consequence: retained intron. Not counted in ClinVar's aggregate classification.

Dr. Peter K. Rogan Lab, Western University
No classification provided (evidence only). Condition: Sarcoma. Review status: no classification provided. Collection method: in vitro. Allele origin: not applicable. Functional consequence: retained intron. Not counted in ClinVar's aggregate classification.

Dr. Peter K. Rogan Lab, Western University
No classification provided (evidence only). Condition: Sarcoma. Review status: no classification provided. Collection method: in vitro. Allele origin: not applicable. Functional consequence: retained intron. Not counted in ClinVar's aggregate classification.

Dr. Peter K. Rogan Lab, Western University
No classification provided (evidence only). Condition: Cholangiocarcinoma. Review status: no classification provided. Collection method: in vitro. Allele origin: not applicable. Functional consequence: retained intron. Not counted in ClinVar's aggregate classification.

Dr. Peter K. Rogan Lab, Western University
No classification provided (evidence only). Condition: Gastric cancer. Review status: no classification provided. Collection method: in vitro. Allele origin: not applicable. Functional consequence: retained intron. Not counted in ClinVar's aggregate classification.

Dr. Peter K. Rogan Lab, Western University
No classification provided (evidence only). Condition: Gastric cancer. Review status: no classification provided. Collection method: in vitro. Allele origin: not applicable. Functional consequence: retained intron. Not counted in ClinVar's aggregate classification.

Dr. Peter K. Rogan Lab, Western University
No classification provided (evidence only). Condition: Uveal melanoma. Review status: no classification provided. Collection method: in vitro. Allele origin: not applicable. Functional consequence: retained intron. Not counted in ClinVar's aggregate classification.

NM_080680.3(COL11A2):c.2115+32G>T

Gene: COL11A2 (collagen type XI alpha 2 chain; minus strand). Cytogenetic location: 6p21.32.
Variant type: single nucleotide variant.
Coding change: c.2115+32G>T on transcript NM_080680.3 (MANE Select); 32 bases into the intron after coding-DNA position 2115, G replaced by T.
Molecular consequence: intron variant.
Genome position (GRCh38, 1-based): chr6:33,176,689, C>A on the plus strand (G>T on the coding strand, the complement: COL11A2 is on the minus strand). VCF-style: chr6-33176689-C-A. GRCh37 (hg19) VCF-style: chr6-33144466-C-A.
Other names: NC_000006.11:g.33144466C>A; c.1794+32G>T (NM_080679.3); c.1857+32G>T (NM_080681.3).
Identifiers: ClinVar variation 674973 (VCV000674973.2), dbSNP rs41317098, ClinGen allele CA3751039.